The following is an entry in ClinVar:

NM_004333.6(BRAF):c.964G>A (p.Ala322Thr)

Gene: BRAF (B-Raf proto-oncogene, serine/threonine kinase; minus strand). Cytogenetic location: 7q34.
Variant type: single nucleotide variant.
Coding change: c.964G>A on transcript NM_004333.6 (MANE Select); coding-DNA position 964, G replaced by A.
Protein change: p.Ala322Thr; replaces alanine 322 with threonine.
Molecular consequence: missense variant.
Genome position (GRCh38, 1-based): chr7:140,800,378, C>T on the plus strand (G>A on the coding strand, the complement: BRAF is on the minus strand). VCF-style: chr7-140800378-C-T. GRCh37 (hg19) VCF-style: chr7-140500178-C-T.
Other names: c.964G>A, p.Ala322Thr (NM_001354609.2, NM_001374244.1, NM_001374258.1 and 4 more transcripts); c.973G>A, p.Ala325Thr (NM_001378467.1); c.862G>A, p.Ala288Thr (NM_001378470.1); c.808G>A, p.Ala270Thr (NM_001378472.1, NM_001378473.1); c.700G>A, p.Ala234Thr (NM_001378475.1); short protein forms A325T, A322T, A288T, A234T, A270T.
Identifiers: ClinVar variation 2160700 (VCV002160700.4), dbSNP rs762305547, ClinGen allele CA4516864.

ClinVar aggregate classification (germline): Uncertain significance (1 of 4 stars; one submission).

Conditions:
RASopathy. Also called: rasopathies; Noonan spectrum disorder. Identifiers: Orphanet 536391, MedGen C5555857, MONDO:0021060.

Allele frequency attached by ClinVar (database versions not stated): TOPMed 0.00002.
gnomAD v4.1: 20 of 1,614,030 alleles (0.0012%); highest among the groups gnomAD compares: East Asian, 0.0022%; no homozygotes.

Submission:

Labcorp Genetics (formerly Invitae), Labcorp
Classification: Uncertain significance for RASopathy. Last evaluated: 2025-11-25. Review status: criteria provided, single submitter. Criteria: Invitae Variant Classification Sherloc (09022015). Collection method: clinical testing. Allele origin: germline.
Comment: This sequence change replaces alanine, which is neutral and non-polar, with threonine, which is neutral and polar, at codon 322 of the BRAF protein (p.Ala322Thr). This variant is present in population databases (rs762305547, gnomAD 0.01%). This variant has not been reported in the literature in individuals affected with BRAF-related conditions. ClinVar contains an entry for this variant (Variation ID: 2160700). Invitae Evidence Modeling of protein sequence and biophysical properties (such as structural, functional, and spatial information, amino acid conservation, physicochemical variation, residue mobility, and thermodynamic stability) indicates that this missense variant is not expected to disrupt BRAF protein function with a negative predictive value of 95%. In summary, the available evidence is currently insufficient to determine the role of this variant in disease. Therefore, it has been classified as a Variant of Uncertain Significance.